The following is an entry in ClinVar:

NM_021020.5(LZTS1):c.366G>A (p.Val122=)

Gene: LZTS1 (leucine zipper tumor suppressor 1; minus strand). Cytogenetic location: 8p21.3.
Variant type: single nucleotide variant.
Coding change: c.366G>A on transcript NM_021020.5 (MANE Select); coding-DNA position 366, G replaced by A.
Protein change: p.Val122=; no amino-acid change (valine 122 retained).
Molecular consequence: synonymous variant.
Genome position (GRCh38, 1-based): chr8:20,253,565, C>T on the plus strand (G>A on the coding strand, the complement: LZTS1 is on the minus strand). VCF-style: chr8-20253565-C-T. GRCh37 (hg19) VCF-style: chr8-20111076-C-T.
Other names: c.366G>A, p.Val122= (NM_001362884.2).
Identifiers: ClinVar variation 4990496 (VCV004990496.1).

ClinVar aggregate classification (germline): Likely benign (1 of 4 stars; one submission).

Conditions:
LZTS1-related disorder. Also called: LZTS1-related condition.

Submission:

PreventionGenetics, part of Exact Sciences
Classification: Likely benign for LZTS1-related condition. Last evaluated: 2026-02-07. Review status: criteria provided, single submitter. Criteria: ACMG Guidelines, 2015. Collection method: clinical testing. Allele origin: germline.
Comment: This variant is classified as likely benign based on ACMG/AMP sequence variant interpretation guidelines (Richards et al. 2015 PMID: 25741868, with internal and published modifications).